The following is an entry in ClinVar:

ClinVar aggregate classification (germline): Benign/Likely benign. Review status: criteria provided, multiple submitters, no conflicts (2 of 4 stars). 5 submissions from 5 submitters: Benign (1); Likely benign (2). 2 of the submissions do not count toward it. Last evaluated 2026-01-29.

Conditions:
Retinitis pigmentosa (RP). Identifiers: Orphanet 791, MedGen C0035334, MeSH D012174, MONDO:0019200, OMIM 268000. Inheritance: Autosomal dominant, autosomal recessive and X linked inheritance.

Allele frequency attached by ClinVar (database versions not stated): gnomAD exomes 0.00198; ExAC 0.00245; gnomAD 0.00711 and 0.00763; 1000 Genomes Project 0.00819; TOPMed 0.00858; 1000 Genomes Project 30x 0.00890; ESP Exome Variant Server 0.00961.
gnomAD v4.1: 2,085 of 1,613,986 alleles (0.13%); highest among the groups gnomAD compares: African/African-American, 2.5%; 29 homozygotes.

Submissions (5):

Labcorp Genetics (formerly Invitae), Labcorp
Classification: Benign. Last evaluated: 2026-01-29. Review status: criteria provided, single submitter. Criteria: Invitae Variant Classification Sherloc (09022015). Collection method: clinical testing. Allele origin: germline.

Illumina Laboratory Services, Illumina
Classification: Likely benign for Retinitis pigmentosa. Last evaluated: 2018-01-13. Review status: criteria provided, single submitter. Criteria: ICSL Variant Classification Criteria 13 December 2019. Collection method: clinical testing. Allele origin: germline.
Comment: This variant was observed in the ICSL laboratory as part of a predisposition screen in an ostensibly healthy population. It had not been previously curated by ICSL or reported in the Human Gene Mutation Database (HGMD: prior to June 1st, 2018), and was therefore a candidate for classification through an automated scoring system. Utilizing variant allele frequency, disease prevalence and penetrance estimates, and inheritance mode, an automated score was calculated to assess if this variant is too frequent to cause the disease. Based on the score and internal cut-off values, a variant classified as likely benign is not then subjected to further curation. The score for this variant resulted in a classification of likely benign for this disease.

Breakthrough Genomics
Classification: Likely benign. Review status: criteria provided, single submitter. Criteria: ACMG Guidelines, 2015. Collection method: not provided. Allele origin: germline. Inheritance: Autosomal recessive inheritance. Affected: yes.

Clinical Genetics DNA and cytogenetics Diagnostics Lab, Erasmus MC, Erasmus Medical Center
Classification: Likely benign. Review status: no assertion criteria provided. Collection method: clinical testing. Allele origin: germline. Affected: yes. Study: VKGL Data-share Consensus. Not counted in ClinVar's aggregate classification.

Clinical Genetics, Academic Medical Center
Classification: Benign. Review status: no assertion criteria provided. Collection method: clinical testing. Allele origin: germline. Affected: yes. Study: VKGL Data-share Consensus. Not counted in ClinVar's aggregate classification.

NM_006343.3(MERTK):c.102A>G (p.Leu34=)

Gene: MERTK (MER proto-oncogene, tyrosine kinase; plus strand). Cytogenetic location: 2q13.
Variant type: single nucleotide variant.
Coding change: c.102A>G on transcript NM_006343.3 (MANE Select); coding-DNA position 102, A replaced by G.
Protein change: p.Leu34=; no amino-acid change (leucine 34 retained).
Molecular consequence: synonymous variant.
Genome position (GRCh38, 1-based): chr2:111,929,160, A>G. VCF-style: chr2-111929160-A-G. GRCh37 (hg19) VCF-style: chr2-112686737-A-G.
Identifiers: ClinVar variation 330741 (VCV000330741.19), dbSNP rs143215350, ClinGen allele CA1830978.